The following is an entry in ClinVar:

NM_144687.4(NLRP12):c.2756+5G>C

Gene: NLRP12 (NLR family pyrin domain containing 12; minus strand). Cytogenetic location: 19q13.42.
Variant type: single nucleotide variant.
Coding change: c.2756+5G>C on transcript NM_144687.4 (MANE Select); 5 bases into the intron after coding-DNA position 2756, G replaced by C.
Molecular consequence: intron variant.
Genome position (GRCh38, 1-based): chr19:53,801,222, C>G on the plus strand (G>C on the coding strand, the complement: NLRP12 is on the minus strand). VCF-style: chr19-53801222-C-G. GRCh37 (hg19) VCF-style: chr19-54304476-C-G.
Other names: c.2756+5G>C (NM_001277129.1); c.2759+5G>C (NM_001277126.2).
Identifiers: ClinVar variation 2127091 (VCV002127091.4), dbSNP rs2514255091, ClinGen allele CA2580097750.

ClinVar aggregate classification (germline): Uncertain significance (1 of 4 stars; one submission).

Conditions:
Familial cold autoinflammatory syndrome 2 (FCAS2). Identifiers: Orphanet 247868, MedGen C2673198, MONDO:0012724, OMIM 611762.

Submission:

Labcorp Genetics (formerly Invitae), Labcorp
Classification: Uncertain significance for Familial cold autoinflammatory syndrome 2. Last evaluated: 2022-04-16. Review status: criteria provided, single submitter. Criteria: Invitae Variant Classification Sherloc (09022015). Collection method: clinical testing. Allele origin: germline.
Comment: In summary, the available evidence is currently insufficient to determine the role of this variant in disease. Therefore, it has been classified as a Variant of Uncertain Significance. Variants that disrupt the consensus splice site are a relatively common cause of aberrant splicing (PMID: 17576681, 9536098). Algorithms developed to predict the effect of sequence changes on RNA splicing suggest that this variant may disrupt the consensus splice site. This variant has not been reported in the literature in individuals affected with NLRP12-related conditions. This variant is not present in population databases (gnomAD no frequency). This sequence change falls in intron 7 of the NLRP12 gene. It does not directly change the encoded amino acid sequence of the NLRP12 protein. It affects a nucleotide within the consensus splice site.

Literature cited by the submitters: PubMed 17576681; PubMed 9536098.